The following is an entry in ClinVar:

NM_145167.3(PIGM):c.445A>G (p.Ile149Val)

Gene: PIGM (phosphatidylinositol glycan anchor biosynthesis class M; minus strand). Cytogenetic location: 1q23.2.
Variant type: single nucleotide variant.
Coding change: c.445A>G on transcript NM_145167.3 (MANE Select); coding-DNA position 445, A replaced by G.
Protein change: p.Ile149Val; replaces isoleucine 149 with valine.
Molecular consequence: missense variant.
Genome position (GRCh38, 1-based): chr1:160,031,295, T>C on the plus strand (A>G on the coding strand, the complement: PIGM is on the minus strand). VCF-style: chr1-160031295-T-C. GRCh37 (hg19) VCF-style: chr1-160001085-T-C.
Other names: short protein forms I149V.
Identifiers: ClinVar variation 3626622 (VCV003626622.2).

ClinVar aggregate classification (germline): Uncertain significance (1 of 4 stars; one submission).

Conditions:
Hypercoagulability syndrome due to glycosylphosphatidylinositol deficiency (GPIBD1). Also called: GLYCOSYLPHOSPHATIDYLINOSITOL BIOSYNTHESIS DEFECT 1. Identifiers: Orphanet 83639, MedGen C5201145, MONDO:0012465, OMIM 610293.

Submission:

Labcorp Genetics (formerly Invitae), Labcorp
Classification: Uncertain significance for Hypercoagulability syndrome due to glycosylphosphatidylinositol deficiency. Last evaluated: 2024-10-24. Review status: criteria provided, single submitter. Criteria: Invitae Variant Classification Sherloc (09022015). Collection method: clinical testing. Allele origin: germline.
Comment: This sequence change replaces isoleucine, which is neutral and non-polar, with valine, which is neutral and non-polar, at codon 149 of the PIGM protein (p.Ile149Val). This variant is present in population databases (rs779538309, gnomAD 0.003%). This variant has not been reported in the literature in individuals affected with PIGM-related conditions. Invitae Evidence Modeling of protein sequence and biophysical properties (such as structural, functional, and spatial information, amino acid conservation, physicochemical variation, residue mobility, and thermodynamic stability) indicates that this missense variant is not expected to disrupt PIGM protein function with a negative predictive value of 80%. In summary, the available evidence is currently insufficient to determine the role of this variant in disease. Therefore, it has been classified as a Variant of Uncertain Significance.